The following is an entry in ClinVar:

NM_014055.4(IFT81):c.144+2T>G

Gene: IFT81 (intraflagellar transport 81; plus strand). Cytogenetic location: 12q24.11.
Variant type: single nucleotide variant.
Coding change: c.144+2T>G on transcript NM_014055.4 (MANE Select); the canonical splice donor site of the intron after coding-DNA position 144, T replaced by G.
Molecular consequence: splice donor variant.
Genome position (GRCh38, 1-based): chr12:110,127,526, T>G. VCF-style: chr12-110127526-T-G. GRCh37 (hg19) VCF-style: chr12-110565331-T-G.
Other names: c.-623+2T>G (NM_001347948.2, NM_001347947.2); c.144+2T>G (NM_001143779.2, NM_031473.4, NM_001347946.2).
Identifiers: ClinVar variation 4719759 (VCV004719759.1).

ClinVar aggregate classification (germline): Likely pathogenic (1 of 4 stars; one submission).

Submission:

Labcorp Genetics (formerly Invitae), Labcorp
Classification: Likely pathogenic. Last evaluated: 2025-05-18. Review status: criteria provided, single submitter. Criteria: Invitae Variant Classification Sherloc (09022015). Collection method: clinical testing. Allele origin: germline.
Comment: This sequence change affects a donor splice site in intron 2 of the IFT81 gene. It is expected to disrupt RNA splicing. Variants that disrupt the donor or acceptor splice site typically lead to a loss of protein function (PMID: 16199547), and loss-of-function variants in IFT81 are known to be pathogenic (PMID: 26275418, 27666822). This variant is not present in population databases (gnomAD no frequency). This variant has not been reported in the literature in individuals affected with IFT81-related conditions. Algorithms developed to predict the effect of sequence changes on RNA splicing suggest that this variant may disrupt the consensus splice site. In summary, the currently available evidence indicates that the variant is pathogenic, but additional data are needed to prove that conclusively. Therefore, this variant has been classified as Likely Pathogenic.

Literature cited by the submitters: PubMed 16199547; PubMed 26275418; PubMed 27666822.